The following is an entry in ClinVar:

NM_003292.3(TPR):c.7032G>C (p.Gln2344His)

Gene: TPR (translocated promoter region, nuclear basket protein; minus strand). Cytogenetic location: 1q31.1.
Variant type: single nucleotide variant.
Coding change: c.7032G>C on transcript NM_003292.3 (MANE Select); coding-DNA position 7032, G replaced by C.
Protein change: p.Gln2344His; replaces glutamine 2344 with histidine.
Molecular consequence: missense variant.
Genome position (GRCh38, 1-based): chr1:186,314,633, C>G on the plus strand (G>C on the coding strand, the complement: TPR is on the minus strand). VCF-style: chr1-186314633-C-G. GRCh37 (hg19) VCF-style: chr1-186283765-C-G.
Other names: short protein forms Q2344H.
Identifiers: ClinVar variation 4881584 (VCV004881584.2).
Genomic context (GRCh38, chr1:186,314,633, plus strand): 5'-TCCATTTATTACTATTCCACATTCTATCATGTAATCCAGTTATGTCAGAAATTCACCTCT[C>G]TGTCTGTTAAACTGACGACCACGGACACCTTGTCTCAATGTTGTCTGAAGTCTTACTCGT-3'
Protein context (NP_003283.2, residues 2334-2354): QGVRGRQFNR[Gln2344His]RGVSHAMGGR

ClinVar aggregate classification (germline): Uncertain significance (1 of 4 stars; one submission).

Conditions:
Intellectual developmental disorder, autosomal recessive 79 (MRT79). Identifiers: MedGen C5830553, MONDO:0957288, OMIM 620393.

gnomAD v4.1: 3 of 1,606,520 alleles (0.00019%); highest among the groups gnomAD compares: Admixed American, 0.0017%; no homozygotes.

Submission:

Dasa
Classification: Uncertain significance for Intellectual developmental disorder, autosomal recessive 79. Last evaluated: 2025-08-11. Review status: criteria provided, single submitter. Criteria: DASA Assertion Criteria. Collection method: clinical testing. Allele origin: germline.
Comment: NM_003292.3(TPR):c.7032G>C (p.Gln2344His) is a missense variant that results in the substitution of glutamine with histidine. This variant is rare in population databases. Computational prediction algorithms are consistent with a benign effect. The currently available literature and clinical evidence are not sufficient to establish a definitive association between this variant and the reported condition. Therefore, this variant is classified as a variant of uncertain significance.